The following is an entry in ClinVar:

NM_024079.5(ALG8):c.577G>A (p.Ala193Thr)

Gene: ALG8 (ALG8 alpha-1,3-glucosyltransferase; minus strand). Cytogenetic location: 11q14.1.
Variant type: single nucleotide variant.
Coding change: c.577G>A on transcript NM_024079.5 (MANE Select); coding-DNA position 577, G replaced by A.
Protein change: p.Ala193Thr; replaces alanine 193 with threonine.
Molecular consequence: missense variant. On other transcripts: non-coding transcript variant (2), intron variant (1).
Genome position (GRCh38, 1-based): chr11:78,114,362, C>T on the plus strand (G>A on the coding strand, the complement: ALG8 is on the minus strand). VCF-style: chr11-78114362-C-T. GRCh37 (hg19) VCF-style: chr11-77825408-C-T.
Other names: c.577G>A, p.Ala193Thr (NM_001007027.3, NM_001425221.1, NM_001425222.1 and 11 more transcripts); c.580G>A, p.Ala194Thr (NM_001425219.1); c.562G>A, p.Ala188Thr (NM_001425220.1); c.670G>A, p.Ala224Thr (NM_001425224.1); c.424G>A, p.Ala142Thr (NM_001425226.1, NM_001425235.1, NM_001425236.1); c.376G>A, p.Ala126Thr (NM_001425231.1); c.313G>A, p.Ala105Thr (NM_001425234.1, NM_001425239.1); c.61G>A, p.Ala21Thr (NM_001425241.1); and 2 more; short protein forms A193T, A8T, A194T, A21T, A142T, A105T, A126T, A188T.
Identifiers: ClinVar variation 4706003 (VCV004706003.1).

ClinVar aggregate classification (germline): Uncertain significance (1 of 4 stars; one submission).

Conditions:
ALG8 congenital disorder of glycosylation. Also called: CONGENITAL DISORDER OF GLYCOSYLATION, TYPE Ih; ALG8-CDG; CDG Ih. Identifiers: Orphanet 79325, MedGen C2931002, MONDO:0011969, OMIM 608104.

Submission:

Labcorp Genetics (formerly Invitae), Labcorp
Classification: Uncertain significance for ALG8 congenital disorder of glycosylation. Last evaluated: 2025-10-06. Review status: criteria provided, single submitter. Criteria: Invitae Variant Classification Sherloc (09022015). Collection method: clinical testing. Allele origin: germline.
Comment: This sequence change replaces alanine, which is neutral and non-polar, with threonine, which is neutral and polar, at codon 193 of the ALG8 protein (p.Ala193Thr). This variant is not present in population databases (gnomAD no frequency). This variant has not been reported in the literature in individuals affected with ALG8-related conditions. Invitae Evidence Modeling of protein sequence and biophysical properties (such as structural, functional, and spatial information, amino acid conservation, physicochemical variation, residue mobility, and thermodynamic stability) indicates that this missense variant is not expected to disrupt ALG8 protein function with a negative predictive value of 80%. In summary, the available evidence is currently insufficient to determine the role of this variant in disease. Therefore, it has been classified as a Variant of Uncertain Significance.